The following is an entry in ClinVar:

ClinVar aggregate classification (germline): Likely pathogenic (1 of 4 stars; one submission).

Conditions:
Sandhoff disease. Also called: GM2-GANGLIOSIDOSIS, TYPE II; Beta-hexosaminidase-beta-subunit deficiency; GM2 gangliosidosis, type 2; Total hexosaminidase deficiency; Sandhoff-Jatzkewitz-Pilz disease; HEXOSAMINIDASES A AND B DEFICIENCY. Identifiers: Orphanet 796, MedGen C0036161, MONDO:0010006, OMIM 268800.

Submission:

Labcorp Genetics (formerly Invitae), Labcorp
Classification: Likely pathogenic for Sandhoff disease. Last evaluated: 2021-03-23. Review status: criteria provided, single submitter. Criteria: Invitae Variant Classification Sherloc (09022015). Collection method: clinical testing. Allele origin: germline.
Comment: In summary, the currently available evidence indicates that the variant is pathogenic, but additional data are needed to prove that conclusively. Therefore, this variant has been classified as Likely Pathogenic. This variant disrupts the p.Gly549 amino acid residue in HEXB. Other variant(s) that disrupt this residue have been determined to be pathogenic (PMID: 28281504, 24022928, 27021291). This suggests that this residue is clinically significant, and that variants that disrupt this residue are likely to be disease-causing. This variant has not been reported in the literature in individuals with HEXB-related conditions. This variant is not present in population databases (ExAC no frequency). This sequence change creates a premature translational stop signal (p.Tyr547*) in the HEXB gene. While this is not anticipated to result in nonsense mediated decay, it is expected to disrupt the last 10 amino acid(s) of the HEXB protein.

Literature cited by the submitters: PubMed 28281504; PubMed 24022928; PubMed 27021291.

NM_000521.4(HEXB):c.1641_1654del (p.Tyr547_Asn552delinsTer)

Gene: HEXB (hexosaminidase subunit beta; plus strand). Cytogenetic location: 5q13.3.
Variant type: Deletion.
Coding change: c.1641_1654del on transcript NM_000521.4 (MANE Select); coding-DNA positions 1641 to 1654, 14 bases deleted (TGCTGGATATTGTA).
Protein change: p.Tyr547_Asn552delinsTer.
Molecular consequence: nonsense.
Genome position (GRCh38, 1-based): chr5:74,721,145-74,721,158, TGCTGGATATTGTA deleted; deleting any 14 consecutive bases within chr5:74,721,143-74,721,158 gives the same sequence; the c. name uses the placement nearest the transcript's 3' end. VCF-style (leftmost placement, unchanged base first): chr5-74721142-TTATGCTGGATATTG-T. GRCh37 (hg19) VCF-style: chr5-74016967-TTATGCTGGATATTG-T.
Other names: c.966_979del, p.Tyr322_Asn327delinsTer (NM_001292004.2).
Identifiers: ClinVar variation 1509195 (VCV001509195.8), dbSNP rs2112189087, ClinGen allele CA2573139805.